The following is an entry in ClinVar:

NM_000535.7(PMS2):c.546C>G (p.Ala182=)

Gene: PMS2 (PMS1 homolog 2, mismatch repair system component; minus strand). Cytogenetic location: 7p22.1.
Variant type: single nucleotide variant.
Coding change: c.546C>G on transcript NM_000535.7 (MANE Select); coding-DNA position 546, C replaced by G.
Protein change: p.Ala182=; no amino-acid change (alanine 182 retained).
Molecular consequence: synonymous variant. On other transcripts: non-coding transcript variant (1), intron variant (3).
Genome position (GRCh38, 1-based): chr7:5,999,267, G>C on the plus strand (C>G on the coding strand, the complement: PMS2 is on the minus strand). VCF-style: chr7-5999267-G-C. GRCh37 (hg19) VCF-style: chr7-6038898-G-C.
Other names: c.141C>G, p.Ala47= (NM_001322003.2, NM_001322004.2, NM_001322005.2 and 2 more transcripts); c.546C>G, p.Ala182= (NM_001322006.2, NM_001322014.2); c.228C>G, p.Ala76= (NM_001322007.2, NM_001322008.2); c.237C>G, p.Ala79= (NM_001322015.2); c.133-1844C>G (NM_001322013.2); c.-347-41C>G (NM_001322012.2, NM_001322011.2); c.546C>G (NM_000535.6).
Identifiers: ClinVar variation 751627 (VCV000751627.13), dbSNP rs1554302537, ClinGen allele CA453647280.

ClinVar aggregate classification (germline): Benign/Likely benign. Review status: criteria provided, multiple submitters, no conflicts (2 of 4 stars). 4 submissions from 4 submitters: Benign (1); Likely benign (3). Last evaluated 2026-08-25.

Conditions:
Hereditary cancer-predisposing syndrome. Also called: Hereditary neoplastic syndrome; Neoplastic Syndromes, Hereditary; Hereditary Cancer Syndrome; Tumor predisposition. Identifiers: Orphanet 140162, MedGen C0027672, MeSH D009386, MONDO:0015356.
Hereditary nonpolyposis colorectal neoplasms. Identifiers: MedGen C0009405, MeSH D003123.
Lynch syndrome 4 (LYNCH4). Also called: Hereditary non-polyposis colorectal cancer, type 4; Colorectal cancer, hereditary nonpolyposis, type 4. Identifiers: Orphanet 144, MedGen C1838333, MONDO:0013699, OMIM 614337. Disease mechanism: loss of function.
PMS2-related disorder. Also called: PMS2-related condition.

Submissions (4):

PreventionGenetics, part of Exact Sciences
Classification: Likely benign for PMS2-related condition. Last evaluated: 2026-08-25. Review status: criteria provided, single submitter. Criteria: ACMG Guidelines, 2015. Collection method: clinical testing. Allele origin: germline.
Comment: This variant is classified as likely benign based on ACMG/AMP sequence variant interpretation guidelines (Richards et al. 2015 PMID: 25741868, with internal and published modifications).

Labcorp Genetics (formerly Invitae), Labcorp
Classification: Likely benign for Hereditary nonpolyposis colorectal neoplasms. Last evaluated: 2025-11-05. Review status: criteria provided, single submitter. Criteria: Invitae Variant Classification Sherloc (09022015). Collection method: clinical testing. Allele origin: germline.

Myriad Genetics, Inc.
Classification: Benign for Lynch syndrome 4. Last evaluated: 2025-01-27. Review status: criteria provided, single submitter. Criteria: Myriad Autosomal Dominant, Autosomal Recessive and X-Linked Classification Criteria (2023). Collection method: clinical testing. Allele origin: unknown.
Comment: This variant is considered benign. This variant is a silent/synonymous amino acid change and it is not expected to impact splicing.

Ambry Genetics
Classification: Likely benign for Hereditary cancer-predisposing syndrome. Last evaluated: 2023-10-19. Review status: criteria provided, single submitter. Criteria: Ambry Variant Classification Scheme 2023. Collection method: clinical testing. Allele origin: germline.